The following is an entry in ClinVar:

NM_152424.4(AMER1):c.3091G>T (p.Gly1031Cys)

Gene: AMER1 (APC membrane recruitment protein 1; minus strand). Cytogenetic location: Xq11.2.
Variant type: single nucleotide variant.
Coding change: c.3091G>T on transcript NM_152424.4 (MANE Select); coding-DNA position 3091, G replaced by T.
Protein change: p.Gly1031Cys; replaces glycine 1031 with cysteine.
Molecular consequence: missense variant.
Genome position (GRCh38, 1-based): chrX:64,190,196, C>A on the plus strand (G>T on the coding strand, the complement: AMER1 is on the minus strand). VCF-style: chrX-64190196-C-A. GRCh37 (hg19) VCF-style: chrX-63410076-C-A.
Other names: short protein forms G1031C.
Identifiers: ClinVar variation 5038727 (VCV005038727.1).
Genomic context (GRCh38, chrX:64,190,196, plus strand): 5'-CATCTCGAGGCCTGGCCCTCATGCTCTGGGAGGCCTGTGGCTGGAGGTTATAGCAAGGGC[C>A]CATGGGCAGGTGTAGGTGTGAGGGACGAGCTAGTTGAGGCCCAGATTCCCCAGGTGCCCT-3'
Protein context (NP_689637.3, residues 1021-1041): ARPSHLHLPM[Gly1031Cys]PCYNLQPQAS

ClinVar aggregate classification (germline): Uncertain significance (1 of 4 stars; one submission).

Submission:

CeGaT Center for Human Genetics Tuebingen
Classification: Uncertain significance. Last evaluated: 2026-08-01. Review status: criteria provided, single submitter. Criteria: CeGaT Center For Human Genetics Tuebingen Variant Classification Criteria Version 2. Collection method: clinical testing. Allele origin: germline. Affected: yes. Observed: 1 variant allele.
Comment: AMER1: PM2, BP4